The following is an entry in ClinVar:

ClinVar aggregate classification (germline): Likely benign. Review status: criteria provided, multiple submitters, no conflicts (2 of 4 stars). 4 submissions from 4 submitters: Likely benign (3). 1 of the submissions does not count toward it. Last evaluated 2025-12-24.

Conditions:
CPLANE1-related disorder. Also called: CPLANE1-related condition.
Orofaciodigital syndrome type 6 (OFD6). Also called: OROFACIODIGITAL SYNDROME VI; OFDS VI; POLYDACTYLY, CLEFT LIP/PALATE OR LINGUAL LUMP, AND PSYCHOMOTOR RETARDATION; VARADI SYNDROME; VARADI-PAPP SYNDROME; Oral-facial-digital syndrome type 6. Identifiers: Orphanet 2754, MedGen C2745997, MONDO:0010176, OMIM 277170.
Joubert syndrome 17 (JBTS17). Identifiers: Orphanet 475, MedGen C3553264, MONDO:0013824, OMIM 614615.

Allele frequency attached by ClinVar (database versions not stated): TOPMed 0.00002; gnomAD 0.00003; ExAC 0.00005; gnomAD exomes 0.00005; ESP Exome Variant Server 0.00008.
gnomAD v4.1: 45 of 1,607,740 alleles (0.0028%); highest among the groups gnomAD compares: Admixed American, 0.0034%; no homozygotes.

Submissions (4):

Labcorp Genetics (formerly Invitae), Labcorp
Classification: Likely benign. Last evaluated: 2025-12-24. Review status: criteria provided, single submitter. Criteria: Invitae Variant Classification Sherloc (09022015). Collection method: clinical testing. Allele origin: germline.

Blueprint Genetics
Classification: Likely benign. Last evaluated: 2024-11-04. Review status: criteria provided, single submitter. Criteria: ACMG Guidelines, 2015. Collection method: clinical testing. Allele origin: germline.

Fulgent Genetics
Classification: Likely benign for Orofaciodigital syndrome type 6; Joubert syndrome 17. Last evaluated: 2022-01-18. Review status: criteria provided, single submitter. Criteria: ACMG Guidelines, 2015. Collection method: clinical testing. Allele origin: unknown.

PreventionGenetics, part of Exact Sciences
Classification: Likely benign for CPLANE1-related condition. Last evaluated: 2019-09-09. Review status: no assertion criteria provided. Collection method: clinical testing. Allele origin: germline. Not counted in ClinVar's aggregate classification.
Comment: This variant is classified as likely benign based on ACMG/AMP sequence variant interpretation guidelines (Richards et al. 2015 PMID: 25741868, with internal and published modifications).

NM_001384732.1(CPLANE1):c.8679G>A (p.Pro2893=)

Gene: CPLANE1 (ciliogenesis and planar polarity effector complex subunit 1; minus strand). Cytogenetic location: 5p13.2.
Variant type: single nucleotide variant.
Coding change: c.8679G>A on transcript NM_001384732.1 (MANE Select); coding-DNA position 8679, G replaced by A.
Protein change: p.Pro2893=; no amino-acid change (proline 2893 retained).
Molecular consequence: synonymous variant.
Genome position (GRCh38, 1-based): chr5:37,138,833, C>T on the plus strand (G>A on the coding strand, the complement: CPLANE1 is on the minus strand). VCF-style: chr5-37138833-C-T. GRCh37 (hg19) VCF-style: chr5-37138935-C-T.
Other names: c.8517G>A, p.Pro2839= (NM_023073.4).
Identifiers: ClinVar variation 1114774 (VCV001114774.13), dbSNP rs370303703, ClinGen allele CA3237696.
Genomic context (GRCh38, chr5:37,138,833, plus strand): 5'-GTCTTTAATTATAAGGTCATCAATAATGTCTGCAATATCAGTCAATCCAGTCATCTGGAG[C>T]GGATGTACTGAAACACTTCATTTGCAAATGTAATTTAAGAAATATAAATCAGTATCTACA-3'
Protein context (NP_001371661.1, residues 2883-2903): DELCESVSVH[Pro2893=]LQMTGLTDIA